The following is an entry in ClinVar:

NM_001363711.2(DUOX2):c.4022del (p.Thr1341fs)

Gene: DUOX2 (dual oxidase 2; minus strand). Cytogenetic location: 15q21.1.
Variant type: Deletion.
Coding change: c.4022del on transcript NM_001363711.2 (MANE Select); coding-DNA position 4022, one base deleted (C; older notation c.4022delC).
Protein change: p.Thr1341fs; shifts the reading frame from threonine 1341.
Molecular consequence: frameshift variant.
Genome position (GRCh38, 1-based): chr15:45,095,886, G deleted on the plus strand (C on the coding strand, the reverse complement: DUOX2 is on the minus strand). VCF-style (leftmost placement, unchanged base first): chr15-45095885-AG-A. GRCh37 (hg19) VCF-style: chr15-45388083-AG-A.
Other names: c.4022del, p.Thr1341fs (NM_014080.5); short protein forms T1341fs.
Identifiers: ClinVar variation 2762301 (VCV002762301.3), dbSNP rs2504740238, ClinGen allele CA2697554426.

ClinVar aggregate classification (germline): Pathogenic (1 of 4 stars; one submission).

Submission:

Labcorp Genetics (formerly Invitae), Labcorp
Classification: Pathogenic. Last evaluated: 2023-12-24. Review status: criteria provided, single submitter. Criteria: Invitae Variant Classification Sherloc (09022015). Collection method: clinical testing. Allele origin: germline.
Comment: This sequence change creates a premature translational stop signal (p.Thr1341Ilefs*79) in the DUOX2 gene. It is expected to result in an absent or disrupted protein product. Loss-of-function variants in DUOX2 are known to be pathogenic (PMID: 12110737, 18765513, 21565790, 24423310, 24735383). This variant is not present in population databases (gnomAD no frequency). This variant has not been reported in the literature in individuals affected with DUOX2-related conditions. For these reasons, this variant has been classified as Pathogenic.

Literature cited by the submitters: PubMed 12110737; PubMed 18765513; PubMed 21565790; PubMed 24423310; PubMed 24735383.